The following is an entry in ClinVar:

ClinVar aggregate classification (germline): Conflicting classifications of pathogenicity. Review status: criteria provided, conflicting classifications (1 of 4 stars). 4 submissions from 4 submitters: Uncertain significance (3); Likely benign (1). Last evaluated 2026-05-01.

Conditions:
NBAS-related disorder. Also called: NBAS-related condition.
Inborn genetic diseases. Identifiers: MedGen C0950123, MeSH D030342.

Allele frequency attached by ClinVar (database versions not stated): ESP Exome Variant Server 0.00015; gnomAD 0.00016 and 0.00017; gnomAD exomes 0.00017 and 0.00023; ExAC 0.00020; TOPMed 0.00029.
gnomAD v4.1: 293 of 1,613,486 alleles (0.018%); highest among the groups gnomAD compares: Middle Eastern, 0.082%; 1 homozygote.

Submissions (4):

CeGaT Center for Human Genetics Tuebingen
Classification: Uncertain significance. Last evaluated: 2026-05-01. Review status: criteria provided, single submitter. Criteria: CeGaT Center For Human Genetics Tuebingen Variant Classification Criteria Version 2. Collection method: clinical testing. Allele origin: germline. Affected: yes. Observed: 1 variant allele.

PreventionGenetics, part of Exact Sciences
Classification: Uncertain significance for NBAS-related condition. Last evaluated: 2026-04-29. Review status: criteria provided, single submitter. Criteria: ACMG Guidelines, 2015. Collection method: clinical testing. Allele origin: germline.
Comment: The NBAS c.5110C>T variant is predicted to result in the amino acid substitution p.His1704Tyr. To our knowledge, this variant has not been reported in the literature. This variant is reported in 0.042% of alleles in individuals of Latino descent in gnomAD. At this time, the clinical significance of this variant is uncertain due to the absence of conclusive functional and genetic evidence.

Labcorp Genetics (formerly Invitae), Labcorp
Classification: Likely benign. Last evaluated: 2026-02-01. Review status: criteria provided, single submitter. Criteria: Invitae Variant Classification Sherloc (09022015). Collection method: clinical testing. Allele origin: germline.

Ambry Genetics
Classification: Uncertain significance for Inborn genetic diseases. Last evaluated: 2022-08-08. Review status: criteria provided, single submitter. Criteria: Ambry Variant Classification Scheme 2023. Collection method: clinical testing. Allele origin: germline.

NM_015909.4(NBAS):c.5110C>T (p.His1704Tyr)

Gene: NBAS (NBAS subunit of NRZ tethering complex; minus strand). Cytogenetic location: 2p24.3.
Variant type: single nucleotide variant.
Coding change: c.5110C>T on transcript NM_015909.4 (MANE Select); coding-DNA position 5110, C replaced by T.
Protein change: p.His1704Tyr; replaces histidine 1704 with tyrosine.
Molecular consequence: missense variant. On other transcripts: non-coding transcript variant (1).
Genome position (GRCh38, 1-based): chr2:15,287,101, G>A on the plus strand (C>T on the coding strand, the complement: NBAS is on the minus strand). VCF-style: chr2-15287101-G-A. GRCh37 (hg19) VCF-style: chr2-15427225-G-A.
Other names: c.5110C>T (NM_015909.2, NM_015909.3); short protein forms H1704Y.
Identifiers: ClinVar variation 1419148 (VCV001419148.10), dbSNP rs148464908, ClinGen allele CA1535382.